The following is an entry in ClinVar:

NM_006231.4(POLE):c.2606C>G (p.Pro869Arg)

Gene: POLE (DNA polymerase epsilon, catalytic subunit; minus strand). Cytogenetic location: 12q24.33.
Variant type: single nucleotide variant.
Coding change: c.2606C>G on transcript NM_006231.4 (MANE Select); coding-DNA position 2606, C replaced by G.
Protein change: p.Pro869Arg; replaces proline 869 with arginine.
Molecular consequence: missense variant.
Genome position (GRCh38, 1-based): chr12:132,664,104, G>C on the plus strand (C>G on the coding strand, the complement: POLE is on the minus strand). VCF-style: chr12-132664104-G-C. GRCh37 (hg19) VCF-style: chr12-133240690-G-C.
Other names: short protein forms P869R.
Identifiers: ClinVar variation 4745569 (VCV004745569.1).

ClinVar aggregate classification (germline): Uncertain significance (1 of 4 stars; one submission).

Submission:

Labcorp Genetics (formerly Invitae), Labcorp
Classification: Uncertain significance. Last evaluated: 2025-07-27. Review status: criteria provided, single submitter. Criteria: Invitae Variant Classification Sherloc (09022015). Collection method: clinical testing. Allele origin: germline.
Comment: This sequence change replaces proline, which is neutral and non-polar, with arginine, which is basic and polar, at codon 869 of the POLE protein (p.Pro869Arg). This variant is not present in population databases (gnomAD no frequency). This variant has not been reported in the literature in individuals affected with POLE-related conditions. Invitae Evidence Modeling of protein sequence and biophysical properties (such as structural, functional, and spatial information, amino acid conservation, physicochemical variation, residue mobility, and thermodynamic stability) indicates that this missense variant is expected to disrupt POLE protein function with a positive predictive value of 80%. In summary, the available evidence is currently insufficient to determine the role of this variant in disease. Therefore, it has been classified as a Variant of Uncertain Significance.